The following is an entry in ClinVar:

ClinVar aggregate classification (germline): Uncertain significance. Review status: criteria provided, single submitter (1 of 4 stars). 2 submissions from 2 submitters: Uncertain significance (1). 1 of the submissions does not count toward it. Last evaluated 2022-09-27.

Conditions:
Methylmalonic aciduria due to complete methylmalonyl-CoA mutase deficiency.

Allele frequency attached by ClinVar (database versions not stated): gnomAD exomes 0.00001 and below 0.00001; ExAC 0.00002.
gnomAD v4.1: 2 of 1,611,706 alleles (0.00012%); highest among the groups gnomAD compares: Admixed American, 0.0033%; no homozygotes.

Submissions (2):

Labcorp Genetics (formerly Invitae), Labcorp
Classification: Uncertain significance. Last evaluated: 2022-09-27. Review status: criteria provided, single submitter. Criteria: Invitae Variant Classification Sherloc (09022015). Collection method: clinical testing. Allele origin: germline.
Comment: In summary, the available evidence is currently insufficient to determine the role of this variant in disease. Therefore, it has been classified as a Variant of Uncertain Significance. Advanced modeling of protein sequence and biophysical properties (such as structural, functional, and spatial information, amino acid conservation, physicochemical variation, residue mobility, and thermodynamic stability) has been performed at Invitae for this missense variant, however the output from this modeling did not meet the statistical confidence thresholds required to predict the impact of this variant on MUT protein function. ClinVar contains an entry for this variant (Variation ID: 1382994). This variant has not been reported in the literature in individuals affected with MUT-related conditions. This variant is present in population databases (rs766420051, gnomAD 0.006%). This sequence change replaces glutamic acid, which is acidic and polar, with glutamine, which is neutral and polar, at codon 276 of the MUT protein (p.Glu276Gln).

Natera, Inc.
Classification: Uncertain significance for Methylmalonic aciduria due to complete methylmalonyl-CoA mutase deficiency. Last evaluated: 2025-03-31. Review status: no assertion criteria provided. Collection method: clinical testing. Allele origin: germline. Not counted in ClinVar's aggregate classification.

NM_000255.4(MMUT):c.826G>C (p.Glu276Gln)

Gene: MMUT (methylmalonyl-CoA mutase; minus strand). Cytogenetic location: 6p12.3.
Variant type: single nucleotide variant.
Coding change: c.826G>C on transcript NM_000255.4 (MANE Select); coding-DNA position 826, G replaced by C.
Protein change: p.Glu276Gln; replaces glutamic acid 276 with glutamine.
Molecular consequence: missense variant.
Genome position (GRCh38, 1-based): chr6:49,456,165, C>G on the plus strand (G>C on the coding strand, the complement: MMUT is on the minus strand). VCF-style: chr6-49456165-C-G. GRCh37 (hg19) VCF-style: chr6-49423878-C-G.
Other names: c.826G>C (NM_000255.3); short protein forms E276Q.
Identifiers: ClinVar variation 1382994 (VCV001382994.5), dbSNP rs766420051, ClinGen allele CA3847029.